The following is an entry in ClinVar:

ClinVar aggregate classification (germline): Uncertain significance. Review status: criteria provided, multiple submitters, no conflicts (2 of 4 stars). 6 submissions from 6 submitters: Uncertain significance (6). Last evaluated 2026-08-03.

Conditions:
POLD1-related disorder. Also called: POLD1-related disorders; POLD1-related condition.
Hereditary cancer-predisposing syndrome. Also called: Neoplastic Syndromes, Hereditary; Hereditary Cancer Syndrome; Tumor predisposition; Hereditary neoplastic syndrome. Identifiers: Orphanet 140162, MedGen C0027672, MeSH D009386, MONDO:0015356.
POLD1-related polyposis and colorectal cancer syndrome (CRCS10). Also called: Colorectal cancer 10; COLORECTAL CANCER, SUSCEPTIBILITY TO, ON CHROMOSOME 19q; Colorectal cancer, susceptibility to, 10. Identifiers: Orphanet 220460, MedGen C2675481, MONDO:0012953, OMIM 612591.

Allele frequency attached by ClinVar (database versions not stated): gnomAD 0.00002 and 0.00003; 1000 Genomes Project 0.00020; gnomAD exomes 0.00001; TOPMed 0.00003; 1000 Genomes Project 30x 0.00016; ExAC 0.00001.

Submissions (7):

Ambry Genetics
Classification: Uncertain significance for Hereditary cancer-predisposing syndrome. Last evaluated: 2026-08-03. Review status: criteria provided, single submitter. Criteria: Ambry Variant Classification Scheme 2023. Collection method: clinical testing. Allele origin: germline.

Labcorp Genetics (formerly Invitae), Labcorp
Classification: Uncertain significance for POLD1-related polyposis and colorectal cancer syndrome. Last evaluated: 2026-01-18. Review status: criteria provided, single submitter. Criteria: Invitae Variant Classification Sherloc (09022015). Collection method: clinical testing. Allele origin: germline.
Comment: This sequence change replaces arginine, which is basic and polar, with cysteine, which is neutral and slightly polar, at codon 311 of the POLD1 protein (p.Arg311Cys). The frequency data for this variant in the population databases is considered unreliable, as metrics indicate poor data quality at this position in the gnomAD database. This variant has not been reported in the literature in individuals affected with POLD1-related conditions. ClinVar contains an entry for this variant (Variation ID: 408113). Invitae Evidence Modeling of protein sequence and biophysical properties (such as structural, functional, and spatial information, amino acid conservation, physicochemical variation, residue mobility, and thermodynamic stability) indicates that this missense variant is expected to disrupt POLD1 protein function with a positive predictive value of 80%. RNA analysis performed to evaluate the impact of this missense change on mRNA splicing indicates it does not significantly alter splicing (internal data). In summary, the available evidence is currently insufficient to determine the role of this variant in disease. Therefore, it has been classified as a Variant of Uncertain Significance.

PreventionGenetics, part of Exact Sciences
Classification: Uncertain significance for POLD1-related condition. Last evaluated: 2025-12-16. Review status: criteria provided, single submitter. Criteria: ACMG Guidelines, 2015. Collection method: clinical testing. Allele origin: germline.
Comment: The POLD1 c.931C>T variant is predicted to result in the amino acid substitution p.Arg311Cys. This variant was reported in an individual with endometrial cancer (Church et al. 2013. PubMed ID: 23528559), and with concomitant variants in an individual with gastric cancer (Herrera-Pariente et al. 2021. PubMed ID: 33525650). This variant is reported in 0.0029% of alleles in individuals of Latino descent in gnomAD and is interpreted as a variant of uncertain significance in ClinVar (Variation ID: 408113). Although we suspect that this variant may be benign, at this time, the clinical significance of this variant is uncertain due to the absence of conclusive functional and genetic evidence.

GeneDx
Classification: Uncertain significance. Last evaluated: 2024-05-01. Review status: criteria provided, single submitter. Criteria: GeneDx Variant Classification Process June 2021. Collection method: clinical testing. Allele origin: germline. Affected: yes.
Comment: Observed in individuals with endometrial or gastric cancer (PMID: 23528559, 33525650); Not observed at significant frequency in large population cohorts (gnomAD); In silico analysis supports that this missense variant has a deleterious effect on protein structure/function; This variant is associated with the following publications: (PMID: 29056344, 25228659, 29120461, 35620275, 33525650, 20951805, 23528559)

Quest Diagnostics Nichols Institute San Juan Capistrano
Classification: Uncertain significance. Last evaluated: 2024-03-28. Review status: criteria provided, single submitter. Criteria: Quest Diagnostics criteria. Collection method: clinical testing. Allele origin: unknown.
Comment: The POLD1 c.931C>T (p.Arg311Cys) variant has been reported in the published literature in individuals with early onset gastric cancer (PMID: 33525650 (2021)) and endometrial cancer (PMID: 23528559 (2013)). The frequency of this variant in the general population, 0.000015 (4/274548 chromosomes (Genome Aggregation Database)), is uninformative in the assessment of its pathogenicity. Analysis of this variant using bioinformatics tools for the prediction of the effect of amino acid changes on protein structure and function yielded predictions that this variant is damaging. Based on the available information, we are unable to determine the clinical significance of this variant.

Baylor Genetics
Classification: Uncertain significance for POLD1-related polyposis and colorectal cancer syndrome. Last evaluated: 2023-08-21. Review status: criteria provided, single submitter. Criteria: ACMG Guidelines, 2015. Collection method: clinical testing. Allele origin: unknown.

Dr. Peter K. Rogan Lab, Western University
No classification provided (evidence only). Condition: Gastric cancer. Review status: no classification provided. Collection method: in vitro. Allele origin: not applicable. Functional consequence: retained intron. Not counted in ClinVar's aggregate classification.

Literature cited by the submitters: PubMed 33525650 (cited by Quest Diagnostics Nichols Institute San Juan Capistrano); PubMed 23528559 (cited by Quest Diagnostics Nichols Institute San Juan Capistrano).

NM_002691.4(POLD1):c.931C>T (p.Arg311Cys)

Gene: POLD1 (DNA polymerase delta 1, catalytic subunit; plus strand). Cytogenetic location: 19q13.33.
Variant type: single nucleotide variant.
Coding change: c.931C>T on transcript NM_002691.4 (MANE Select); coding-DNA position 931, C replaced by T.
Protein change: p.Arg311Cys; replaces arginine 311 with cysteine.
Molecular consequence: missense variant. On other transcripts: non-coding transcript variant (1).
Genome position (GRCh38, 1-based): chr19:50,402,702, C>T. VCF-style: chr19-50402702-C-T. GRCh37 (hg19) VCF-style: chr19-50905959-C-T.
Other names: c.931C>T, p.Arg311Cys (NM_001256849.1, NM_001308632.1); short protein forms R311C.
Identifiers: ClinVar variation 408113 (VCV000408113.24), dbSNP rs201010746, ClinGen allele CA9595956.